The following is an entry in ClinVar:

ClinVar aggregate classification (germline): Uncertain significance (1 of 4 stars; one submission).

gnomAD v4.1: 3 of 1,613,608 alleles (0.00019%); highest among the groups gnomAD compares: Admixed American, 0.0017%; no homozygotes.

Submission:

Labcorp Genetics (formerly Invitae), Labcorp
Classification: Uncertain significance. Last evaluated: 2025-10-12. Review status: criteria provided, single submitter. Criteria: Invitae Variant Classification Sherloc (09022015). Collection method: clinical testing. Allele origin: germline.
Comment: This sequence change replaces arginine, which is basic and polar, with histidine, which is basic and polar, at codon 61 of the RORB protein (p.Arg61His). This variant is present in population databases (rs746343452, gnomAD 0.003%). This variant has not been reported in the literature in individuals affected with RORB-related conditions. This missense change has been observed in at least one individual who was not affected with RORB-related conditions (internal data). An algorithm developed to predict the effect of missense changes on protein structure and function (PolyPhen-2) suggests that this variant is likely to be disruptive. In summary, the available evidence is currently insufficient to determine the role of this variant in disease. Therefore, it has been classified as a Variant of Uncertain Significance.

NM_006914.4(RORB):c.182G>A (p.Arg61His)

Gene: RORB (RAR related orphan receptor B; plus strand). Cytogenetic location: 9q21.13.
Variant type: single nucleotide variant.
Coding change: c.182G>A on transcript NM_006914.4 (MANE Select); coding-DNA position 182, G replaced by A.
Protein change: p.Arg61His; replaces arginine 61 with histidine.
Molecular consequence: missense variant.
Genome position (GRCh38, 1-based): chr9:74,634,719, G>A. VCF-style: chr9-74634719-G-A. GRCh37 (hg19) VCF-style: chr9-77249635-G-A.
Other names: c.215G>A, p.Arg72His (NM_001365023.1); short protein forms R72H, R61H.
Identifiers: ClinVar variation 4767802 (VCV004767802.1).